The following is an entry in ClinVar:

ClinVar aggregate classification (germline): Uncertain significance (1 of 4 stars; one submission).

Submission:

CeGaT Center for Human Genetics Tuebingen
Classification: Uncertain significance. Last evaluated: 2024-02-01. Review status: criteria provided, single submitter. Criteria: CeGaT Center For Human Genetics Tuebingen Variant Classification Criteria Version 2. Collection method: clinical testing. Allele origin: germline. Affected: yes. Observed: 1 variant allele.
Comment: DHX38: PM2

NM_014003.4(DHX38):c.2452A>C (p.Met818Leu)

Gene: DHX38 (DEAH-box helicase 38; plus strand). Cytogenetic location: 16q22.2.
Variant type: single nucleotide variant.
Coding change: c.2452A>C on transcript NM_014003.4 (MANE Select); coding-DNA position 2452, A replaced by C.
Protein change: p.Met818Leu; replaces methionine 818 with leucine.
Molecular consequence: missense variant.
Genome position (GRCh38, 1-based): chr16:72,105,589, A>C. VCF-style: chr16-72105589-A-C. GRCh37 (hg19) VCF-style: chr16-72139488-A-C.
Other names: short protein forms M818L.
Identifiers: ClinVar variation 3025283 (VCV003025283.22), dbSNP rs2507110910, ClinGen allele CA396712690.